The following is an entry in ClinVar:

GRCh38/hg38 2p22.1(chr2:39036084-39379226)x3

Genes: CDKL4 (cyclin dependent kinase like 4; minus strand), MAP4K3 (mitogen-activated protein kinase kinase kinase kinase 3; minus strand), SOS1 (SOS Ras/Rac guanine nucleotide exchange factor 1; minus strand), LOC112840931 (Sharpr-MPRA regulatory region 10874; plus strand), LOC115945153 (CRISPRi-validated cis-regulatory element chr2.1553; plus strand) and 10 more. Cytogenetic location: 2p22.1.
Variant type: copy number gain.
Change: copy number 3 (three copies instead of two) of chr2:39,036,084-39,379,226 (343.1 kb, GRCh38 coordinates, 1-based), cytogenetic band 2p22.1.
Identifiers: ClinVar variation 58841 (VCV000058841.3).

ClinVar aggregate classification (germline): Uncertain significance (1 of 4 stars; one submission).

Submission:

ISCA Site 6
Classification: Uncertain significance. Last evaluated: 2011-08-12. Review status: criteria provided, single submitter. Criteria: Kaminsky et al. (Genet Med. 2011). Collection method: clinical testing. Allele origin: paternal, maternal. Affected: yes. Observed: 2 variant alleles.
Comment: Copy number variation identified through the course of routine clinical cytogenomic testing in postnatal populations. Clinical assertions have been curated as described in Kaminsky et al. 2011.